The following is an entry in ClinVar:

NM_001130144.3(LTBP3):c.1498G>T (p.Ala500Ser)

Gene: LTBP3 (latent transforming growth factor beta binding protein 3; minus strand). Cytogenetic location: 11q13.1.
Variant type: single nucleotide variant.
Coding change: c.1498G>T on transcript NM_001130144.3 (MANE Select); coding-DNA position 1498, G replaced by T.
Protein change: p.Ala500Ser; replaces alanine 500 with serine.
Molecular consequence: missense variant.
Genome position (GRCh38, 1-based): chr11:65,552,005, C>A on the plus strand (G>T on the coding strand, the complement: LTBP3 is on the minus strand). VCF-style: chr11-65552005-C-A. GRCh37 (hg19) VCF-style: chr11-65319476-C-A.
Other names: c.1147G>T, p.Ala383Ser (NM_001164266.1); c.1498G>T, p.Ala500Ser (NM_021070.4); short protein forms A500S, A383S.
Identifiers: ClinVar variation 2903395 (VCV002903395.3), dbSNP rs1351516709, ClinGen allele CA381273111.

ClinVar aggregate classification (germline): Uncertain significance (1 of 4 stars; one submission).

Conditions:
Brachyolmia-amelogenesis imperfecta syndrome. Also called: PLATYSPONDYLY WITH AMELOGENESIS IMPERFECTA; Tooth agenesis, selective, 6; Dental anomalies and short stature. Identifiers: Orphanet 2899, MedGen C1832594, MONDO:0011018, OMIM 601216. Disease mechanism: loss of function.

Allele frequency attached by ClinVar (database versions not stated): TOPMed 0.00001.
gnomAD v4.1: 4 of 1,613,868 alleles (0.00025%); highest among the groups gnomAD compares: Admixed American, 0.0017%; no homozygotes.

Submission:

Labcorp Genetics (formerly Invitae), Labcorp
Classification: Uncertain significance for Brachyolmia-amelogenesis imperfecta syndrome. Last evaluated: 2023-04-06. Review status: criteria provided, single submitter. Criteria: Invitae Variant Classification Sherloc (09022015). Collection method: clinical testing. Allele origin: germline.
Comment: This sequence change replaces alanine, which is neutral and non-polar, with serine, which is neutral and polar, at codon 500 of the LTBP3 protein (p.Ala500Ser). This variant is not present in population databases (gnomAD no frequency). This variant has not been reported in the literature in individuals affected with LTBP3-related conditions. An algorithm developed to predict the effect of missense changes on protein structure and function (PolyPhen-2) suggests that this variant is likely to be tolerated. In summary, the available evidence is currently insufficient to determine the role of this variant in disease. Therefore, it has been classified as a Variant of Uncertain Significance.